The following is an entry in ClinVar:

NM_002432.3(MNDA):c.550T>A (p.Ser184Thr)

Gene: MNDA (myeloid cell nuclear differentiation antigen; plus strand). Cytogenetic location: 1q23.1.
Variant type: single nucleotide variant.
Coding change: c.550T>A on transcript NM_002432.3 (MANE Select); coding-DNA position 550, T replaced by A.
Protein change: p.Ser184Thr; replaces serine 184 with threonine.
Molecular consequence: missense variant.
Genome position (GRCh38, 1-based): chr1:158,844,102, T>A. VCF-style: chr1-158844102-T-A. GRCh37 (hg19) VCF-style: chr1-158813892-T-A.
Other names: short protein forms S184T.
Identifiers: ClinVar variation 3295447 (VCV003295447.1).

ClinVar aggregate classification (germline): Uncertain significance (1 of 4 stars; one submission).

Submission:

Ambry Genetics
Classification: Uncertain significance. Last evaluated: 2024-05-14. Review status: criteria provided, single submitter. Criteria: Ambry Variant Classification Scheme 2023. Collection method: clinical testing. Allele origin: germline.
Comment: The p.S184T variant (also known as c.550T>A), located in coding exon 3 of the MNDA gene, results from a T to A substitution at nucleotide position 550. The serine at codon 184 is replaced by threonine, an amino acid with similar properties. This amino acid position is conserved. In addition, this alteration is predicted to be tolerated by in silico analysis. Based on the available evidence, the clinical significance of this variant remains unclear.